The following is an entry in ClinVar:

NM_004357.5(CD151):c.417T>C (p.His139=)

Gene: CD151 (CD151 molecule (Raph blood group); plus strand). Cytogenetic location: 11p15.5.
Variant type: single nucleotide variant.
Coding change: c.417T>C on transcript NM_004357.5 (MANE Select); coding-DNA position 417, T replaced by C.
Protein change: p.His139=; no amino-acid change (histidine 139 retained).
Molecular consequence: synonymous variant.
Genome position (GRCh38, 1-based): chr11:837,315, T>C. VCF-style: chr11-837315-T-C. GRCh37 (hg19) VCF-style: chr11-837315-T-C.
Other names: c.417T>C, p.His139= (NM_001039490.2, NM_139029.2, NM_139030.4).
Identifiers: ClinVar variation 3605111 (VCV003605111.6).

ClinVar aggregate classification (germline): Likely benign. Review status: criteria provided, multiple submitters, no conflicts (2 of 4 stars). 2 submissions from 2 submitters: Likely benign (2). Last evaluated 2026-01-01.

gnomAD v4.1: 23 of 1,612,852 alleles (0.0014%); highest among the groups gnomAD compares: Non-Finnish European, 0.0017%; no homozygotes.

Submissions (2):

CeGaT Center for Human Genetics Tuebingen
Classification: Likely benign. Last evaluated: 2026-01-01. Review status: criteria provided, single submitter. Criteria: CeGaT Center For Human Genetics Tuebingen Variant Classification Criteria Version 2. Collection method: clinical testing. Allele origin: germline. Affected: yes. Observed: 1 variant allele.
Comment: CD151: BP4, BP7

Labcorp Genetics (formerly Invitae), Labcorp
Classification: Likely benign. Last evaluated: 2025-07-30. Review status: criteria provided, single submitter. Criteria: Invitae Variant Classification Sherloc (09022015). Collection method: clinical testing. Allele origin: germline.